The following is an entry in ClinVar:

ClinVar aggregate classification (germline): Likely benign. Review status: criteria provided, multiple submitters, no conflicts (2 of 4 stars). 3 submissions from 3 submitters: Likely benign (3). Last evaluated 2025-05-01.

Conditions:
Developmental and epileptic encephalopathy, 14 (DEE14). Also called: Early infantile epileptic encephalopathy 14. Identifiers: Orphanet 293181, MedGen C3554195, MONDO:0013989, OMIM 614959.
Autosomal dominant nocturnal frontal lobe epilepsy 5. Also called: Epilepsy, nocturnal frontal lobe, 5; CILIARY DYSKINESIA, PRIMARY, 28, WITHOUT SITUS INVERSUS; CILIARY DYSKINESIA, PRIMARY, 28, WITH SITUS INVERSUS; KCNT1-Related Epilepsy. Identifiers: Orphanet 98784, MedGen C3554306, MONDO:0014002, OMIM 615005.

Allele frequency attached by ClinVar (database versions not stated): gnomAD exomes 0.00002 and 0.00004; TOPMed 0.00003; gnomAD 0.00004; ExAC 0.00006.
gnomAD v4.1: 31 of 1,573,906 alleles (0.002%); highest among the groups gnomAD compares: African/African-American, 0.0081%; no homozygotes.

Submissions (3):

CeGaT Center for Human Genetics Tuebingen
Classification: Likely benign. Last evaluated: 2025-05-01. Review status: criteria provided, single submitter. Criteria: CeGaT Center For Human Genetics Tuebingen Variant Classification Criteria Version 2. Collection method: clinical testing. Allele origin: germline. Affected: yes. Observed: 2 variant alleles.
Comment: KCNT1: BP4, BP7

Labcorp Genetics (formerly Invitae), Labcorp
Classification: Likely benign for Autosomal dominant nocturnal frontal lobe epilepsy 5; Developmental and epileptic encephalopathy, 14. Last evaluated: 2025-01-13. Review status: criteria provided, single submitter. Criteria: Invitae Variant Classification Sherloc (09022015). Collection method: clinical testing. Allele origin: germline.

Blueprint Genetics
Classification: Likely benign. Last evaluated: 2021-03-22. Review status: criteria provided, single submitter. Criteria: ACMG Guidelines, 2015. Collection method: clinical testing. Allele origin: germline.

NM_020822.3(KCNT1):c.3381G>A (p.Ala1127=)

Gene: KCNT1 (potassium sodium-activated channel subfamily T member 1; plus strand). Cytogenetic location: 9q34.3.
Variant type: single nucleotide variant.
Coding change: c.3381G>A on transcript NM_020822.3 (MANE Select); coding-DNA position 3381, G replaced by A.
Protein change: p.Ala1127=; no amino-acid change (alanine 1127 retained).
Molecular consequence: synonymous variant.
Genome position (GRCh38, 1-based): chr9:135,786,400, G>A. VCF-style: chr9-135786400-G-A. GRCh37 (hg19) VCF-style: chr9-138678246-G-A.
Other names: c.3246G>A, p.Ala1082= (NM_001272003.2).
Identifiers: ClinVar variation 1555625 (VCV001555625.23), dbSNP rs762220012, ClinGen allele CA5327796.
Genomic context (GRCh38, chr9:135,786,400, plus strand): 5'-CAAGAGCCTGCAGTGGGCCCGGAGGCTGAGCCGCAAGGCGCCCAAGCAGGCAGGCCGGGC[G>A]GCGGCCGCGGAGTGGATCAGCCAGCAGCGCCTCAGCCTGTACCGGCGCTCTGAGCGCCAG-3'
Protein context (NP_065873.2, residues 1117-1137): SRKAPKQAGR[Ala1127=]AAAEWISQQR